The following is an entry in ClinVar:

NM_003179.3(SYP):c.552C>G (p.Arg184=)

Gene: SYP (synaptophysin; minus strand). Cytogenetic location: Xp11.23.
Variant type: single nucleotide variant.
Coding change: c.552C>G on transcript NM_003179.3 (MANE Select); coding-DNA position 552, C replaced by G.
Protein change: p.Arg184=; no amino-acid change (arginine 184 retained).
Molecular consequence: synonymous variant.
Genome position (GRCh38, 1-based): chrX:49,193,335, G>C on the plus strand (C>G on the coding strand, the complement: SYP is on the minus strand). VCF-style: chrX-49193335-G-C. GRCh37 (hg19) VCF-style: chrX-49049792-G-C.
Identifiers: ClinVar variation 3771185 (VCV003771185.13).

ClinVar aggregate classification (germline): Likely benign (1 of 4 stars; one submission).

Submission:

CeGaT Center for Human Genetics Tuebingen
Classification: Likely benign. Last evaluated: 2026-04-01. Review status: criteria provided, single submitter. Criteria: CeGaT Center For Human Genetics Tuebingen Variant Classification Criteria Version 2. Collection method: clinical testing. Allele origin: germline. Affected: yes. Observed: 2 variant alleles.
Comment: SYP: PM2:Supporting, BP4, BP7